The following is an entry in ClinVar:

ClinVar aggregate classification (germline): Uncertain significance. Review status: criteria provided, multiple submitters, no conflicts (2 of 4 stars). 2 submissions from 2 submitters: Uncertain significance (2). Last evaluated 2026-01-11.

Allele frequency attached by ClinVar (database versions not stated): gnomAD exomes below 0.00001 and 0.00002; TOPMed 0.00001; ExAC 0.00002; gnomAD 0.00003.
gnomAD v4.1: 10 of 1,613,732 alleles (0.00062%); highest among the groups gnomAD compares: African/African-American, 0.0053%; no homozygotes.

Submissions (2):

Labcorp Genetics (formerly Invitae), Labcorp
Classification: Uncertain significance. Last evaluated: 2026-01-11. Review status: criteria provided, single submitter. Criteria: Invitae Variant Classification Sherloc (09022015). Collection method: clinical testing. Allele origin: germline.
Comment: This sequence change replaces glutamine, which is neutral and polar, with arginine, which is basic and polar, at codon 16 of the CACNA1D protein (p.Gln16Arg). This variant is present in population databases (rs760088044, gnomAD 0.007%). This variant has not been reported in the literature in individuals affected with CACNA1D-related conditions. ClinVar contains an entry for this variant (Variation ID: 1305302). An algorithm developed to predict the effect of missense changes on protein structure and function (PolyPhen-2) suggests that this variant is likely to be tolerated. In summary, the available evidence is currently insufficient to determine the role of this variant in disease. Therefore, it has been classified as a Variant of Uncertain Significance.

GeneDx
Classification: Uncertain significance. Last evaluated: 2025-04-08. Review status: criteria provided, single submitter. Criteria: GeneDx Variant Classification Process June 2021. Collection method: clinical testing. Allele origin: germline. Affected: yes.
Comment: In silico analysis indicates that this missense variant does not alter protein structure/function; Has not been previously published as pathogenic or benign to our knowledge

NM_001128840.3(CACNA1D):c.47A>G (p.Gln16Arg)

Gene: CACNA1D (calcium voltage-gated channel subunit alpha1 D; plus strand). Cytogenetic location: 3p21.1.
Variant type: single nucleotide variant.
Coding change: c.47A>G on transcript NM_001128840.3 (MANE Select); coding-DNA position 47, A replaced by G.
Protein change: p.Gln16Arg; replaces glutamine 16 with arginine.
Molecular consequence: missense variant.
Genome position (GRCh38, 1-based): chr3:53,495,213, A>G. VCF-style: chr3-53495213-A-G. GRCh37 (hg19) VCF-style: chr3-53529240-A-G.
Other names: c.47A>G, p.Gln16Arg (NM_000720.4, NM_001128839.3); short protein forms Q16R.
Identifiers: ClinVar variation 1305302 (VCV001305302.8), dbSNP rs760088044, ClinGen allele CA2453593.